The following is an entry in ClinVar:

NM_002224.4(ITPR3):c.5668-4G>A

Gene: ITPR3 (inositol 1,4,5-trisphosphate receptor type 3; plus strand). Cytogenetic location: 6p21.31.
Variant type: single nucleotide variant.
Coding change: c.5668-4G>A on transcript NM_002224.4 (MANE Select); 4 bases into the intron before coding-DNA position 5668, G replaced by A.
Molecular consequence: intron variant.
Genome position (GRCh38, 1-based): chr6:33,686,049, G>A. VCF-style: chr6-33686049-G-A. GRCh37 (hg19) VCF-style: chr6-33653826-G-A.
Identifiers: ClinVar variation 3033821 (VCV003033821.2), dbSNP rs1030427355, ClinGen allele CA137153165.

ClinVar aggregate classification (germline): Likely benign (0 of 4 stars; one submission).

Conditions:
ITPR3-related disorder. Also called: ITPR3-related condition.

Allele frequency attached by ClinVar (database versions not stated): TOPMed below 0.00001; gnomAD 0.00001; gnomAD exomes 0.00001.
gnomAD v4.1: 15 of 1,613,898 alleles (0.00093%); highest among the groups gnomAD compares: East Asian, 0.011%; no homozygotes.

Submission:

PreventionGenetics, part of Exact Sciences
Classification: Likely benign for ITPR3-related condition. Last evaluated: 2019-06-12. Review status: no assertion criteria provided. Collection method: clinical testing. Allele origin: germline.
Comment: This variant is classified as likely benign based on ACMG/AMP sequence variant interpretation guidelines (Richards et al. 2015 PMID: 25741868, with internal and published modifications).